The following is an entry in ClinVar:

NM_005744.5(ARIH1):c.231C>T (p.Gly77=)

Gene: ARIH1 (ariadne RBR E3 ubiquitin protein ligase 1; plus strand). Cytogenetic location: 15q24.1.
Variant type: single nucleotide variant.
Coding change: c.231C>T on transcript NM_005744.5 (MANE Select); coding-DNA position 231, C replaced by T.
Protein change: p.Gly77=; no amino-acid change (glycine 77 retained).
Molecular consequence: synonymous variant.
Genome position (GRCh38, 1-based): chr15:72,474,870, C>T. VCF-style: chr15-72474870-C-T. GRCh37 (hg19) VCF-style: chr15-72767211-C-T.
Other names: c.231C>T (NM_005744.3).
Identifiers: ClinVar variation 1665014 (VCV001665014.9), dbSNP rs753700674, ClinGen allele CA7645445.

ClinVar aggregate classification (germline): Likely benign. Review status: criteria provided, multiple submitters, no conflicts (2 of 4 stars). 2 submissions from 2 submitters: Likely benign (2). Last evaluated 2026-06-17.

Conditions:
ARIH1-related disorder. Also called: ARIH1-related condition.

Allele frequency attached by ClinVar (database versions not stated): 1000 Genomes Project 30x 0.00031; TOPMed 0.00045; gnomAD 0.00050 and 0.00051; gnomAD exomes 0.00098; ExAC 0.00257.
gnomAD v4.1: 1,008 of 1,413,414 alleles (0.071%); highest among the groups gnomAD compares: Non-Finnish European, 0.085%; 1 homozygote.

Submissions (2):

PreventionGenetics, part of Exact Sciences
Classification: Likely benign for ARIH1-related condition. Last evaluated: 2026-06-17. Review status: criteria provided, single submitter. Criteria: ACMG Guidelines, 2015. Collection method: clinical testing. Allele origin: germline.
Comment: This variant is classified as likely benign based on ACMG/AMP sequence variant interpretation guidelines (Richards et al. 2015 PMID: 25741868, with internal and published modifications).

Labcorp Genetics (formerly Invitae), Labcorp
Classification: Likely benign. Last evaluated: 2026-02-03. Review status: criteria provided, single submitter. Criteria: Invitae Variant Classification Sherloc (09022015). Collection method: clinical testing. Allele origin: germline.